The following is an entry in ClinVar:

NM_000417.3(IL2RA):c.499G>T (p.Val167Phe)

Gene: IL2RA (interleukin 2 receptor subunit alpha; minus strand). Cytogenetic location: 10p15.1.
Variant type: single nucleotide variant.
Coding change: c.499G>T on transcript NM_000417.3 (MANE Select); coding-DNA position 499, G replaced by T.
Protein change: p.Val167Phe; replaces valine 167 with phenylalanine.
Molecular consequence: missense variant. On other transcripts: intron variant (2).
Genome position (GRCh38, 1-based): chr10:6,021,562, C>A on the plus strand (G>T on the coding strand, the complement: IL2RA is on the minus strand). VCF-style: chr10-6021562-C-A. GRCh37 (hg19) VCF-style: chr10-6063525-C-A.
Other names: c.368-2063G>T (NM_001308243.2); c.368-1621G>T (NM_001308242.2); short protein forms V167F.
Identifiers: ClinVar variation 3684094 (VCV003684094.2).

ClinVar aggregate classification (germline): Uncertain significance (1 of 4 stars; one submission).

Conditions:
Immunodeficiency due to CD25 deficiency. Also called: IL2RA DEFICIENCY; IMMUNODEFICIENCY 41 WITH LYMPHOPROLIFERATION AND AUTOIMMUNITY; CD25 DEFICIENCY. Identifiers: Orphanet 169100, MedGen C1853392, MONDO:0011664, OMIM 606367.

Submission:

Labcorp Genetics (formerly Invitae), Labcorp
Classification: Uncertain significance for Immunodeficiency due to CD25 deficiency. Last evaluated: 2024-09-04. Review status: criteria provided, single submitter. Criteria: Invitae Variant Classification Sherloc (09022015). Collection method: clinical testing. Allele origin: germline.
Comment: This sequence change replaces valine, which is neutral and non-polar, with phenylalanine, which is neutral and non-polar, at codon 167 of the IL2RA protein (p.Val167Phe). This variant is not present in population databases (gnomAD no frequency). This variant has not been reported in the literature in individuals affected with IL2RA-related conditions. Invitae Evidence Modeling of protein sequence and biophysical properties (such as structural, functional, and spatial information, amino acid conservation, physicochemical variation, residue mobility, and thermodynamic stability) indicates that this missense variant is not expected to disrupt IL2RA protein function with a negative predictive value of 80%. In summary, the available evidence is currently insufficient to determine the role of this variant in disease. Therefore, it has been classified as a Variant of Uncertain Significance.